The following is an entry in ClinVar:

ClinVar aggregate classification (germline): Uncertain significance. Review status: criteria provided, multiple submitters, no conflicts (2 of 4 stars). 2 submissions from 2 submitters: Uncertain significance (2). Last evaluated 2019-04-22.

Conditions:
Hereditary breast ovarian cancer syndrome. Also called: BRCA1- and BRCA2-Associated Hereditary Breast and Ovarian Cancer; Hereditary breast and ovarian cancer; Hereditary breast and/or ovarian cancer syndrome; Hereditary breast and ovarian cancer syndrome; Hereditary breast and ovarian cancer syndrome (HBOC); Breast and ovarian cancer. Identifiers: Orphanet 145, MedGen C0677776, MeSH D061325, MONDO:0003582. Disease mechanism: loss of function.
Hereditary cancer-predisposing syndrome. Also called: Neoplastic Syndromes, Hereditary; Hereditary Cancer Syndrome; Tumor predisposition; Hereditary neoplastic syndrome. Identifiers: Orphanet 140162, MedGen C0027672, MeSH D009386, MONDO:0015356.

Submissions (2):

Color Diagnostics, LLC DBA Color Health
Classification: Uncertain significance for Hereditary cancer-predisposing syndrome. Last evaluated: 2019-04-22. Review status: criteria provided, single submitter. Criteria: ACMG Guidelines, 2015. Collection method: clinical testing. Allele origin: germline.

Labcorp Genetics (formerly Invitae), Labcorp
Classification: Uncertain significance for Hereditary breast ovarian cancer syndrome. Last evaluated: 2018-01-17. Review status: criteria provided, single submitter. Criteria: Invitae Variant Classification Sherloc (09022015). Collection method: clinical testing. Allele origin: germline.
Comment: Algorithms developed to predict the effect of missense changes on protein structure and function do not agree on the potential impact of this missense change (SIFT: "Tolerated"; PolyPhen-2: "Possibly Damaging"; Align-GVGD: "Class C0"). This variant has not been reported in the literature in individuals with BRCA2-related disease. This variant is not present in population databases (ExAC no frequency). This sequence change replaces glutamic acid with lysine at codon 51 of the BRCA2 protein (p.Glu51Lys). The glutamic acid residue is moderately conserved and there is a small physicochemical difference between glutamic acid and lysine. In summary, the available evidence is currently insufficient to determine the role of this variant in disease. Therefore, it has been classified as a Variant of Uncertain Significance.

NM_000059.4(BRCA2):c.151G>A (p.Glu51Lys)

Gene: BRCA2 (BRCA2 DNA repair associated; plus strand). Cytogenetic location: 13q13.1.
Variant type: single nucleotide variant.
Coding change: c.151G>A on transcript NM_000059.4 (MANE Select); coding-DNA position 151, G replaced by A.
Protein change: p.Glu51Lys; replaces glutamic acid 51 with lysine.
Molecular consequence: missense variant.
Genome position (GRCh38, 1-based): chr13:32,319,160, G>A. VCF-style: chr13-32319160-G-A. GRCh37 (hg19) VCF-style: chr13-32893297-G-A.
Other names: short protein forms E51K.
Identifiers: ClinVar variation 573291 (VCV000573291.12), dbSNP rs1566215788, ClinGen allele CA387754282.
Genomic context (GRCh38, chr13:32,319,160, plus strand): 5'-TGGTTTGAAGAACTTTCTTCAGAAGCTCCACCCTATAATTCTGAACCTGCAGAAGAATCT[G>A]AACATAAAAACAACAATTACGAACCAAACCTATTTAAAACTCCACAAAGGAAACCATCTT-3'
Protein context (NP_000050.3, residues 41-61): PYNSEPAEES[Glu51Lys]HKNNNYEPNL